The following is an entry in ClinVar:

NM_000135.4(FANCA):c.2605C>G (p.Gln869Glu)

Genes: FANCA (FA complementation group A; minus strand), LOC130059837 (ATAC-STARR-seq lymphoblastoid active region 11420; plus strand). Cytogenetic location: 16q24.3.
Variant type: single nucleotide variant.
Coding change: c.2605C>G on transcript NM_000135.4 (MANE Select); coding-DNA position 2605, C replaced by G.
Protein change: p.Gln869Glu; replaces glutamine 869 with glutamic acid.
Molecular consequence: missense variant.
Genome position (GRCh38, 1-based): chr16:89,765,063, G>C on the plus strand (C>G on the coding strand, the complement: FANCA is on the minus strand). VCF-style: chr16-89765063-G-C. GRCh37 (hg19) VCF-style: chr16-89831471-G-C.
Other names: c.2605C>G, p.Gln869Glu (NM_001286167.3); short protein forms Q869E.
Identifiers: ClinVar variation 1906191 (VCV001906191.5), dbSNP rs1286812517, ClinGen allele CA397438939.

ClinVar aggregate classification (germline): Likely pathogenic (1 of 4 stars; one submission).

Conditions:
Fanconi anemia (FA). Also called: Fanconi's anemia. Identifiers: Orphanet 84, MedGen C0015625, MeSH D005199, MONDO:0019391.

Submission:

Labcorp Genetics (formerly Invitae), Labcorp
Classification: Likely pathogenic for Fanconi anemia. Last evaluated: 2022-06-08. Review status: criteria provided, single submitter. Criteria: Invitae Variant Classification Sherloc (09022015). Collection method: clinical testing. Allele origin: germline.
Comment: In summary, the currently available evidence indicates that the variant is pathogenic, but additional data are needed to prove that conclusively. Therefore, this variant has been classified as Likely Pathogenic. This variant disrupts the p.Gln869 amino acid residue in FANCA. Other variant(s) that disrupt this residue have been determined to be pathogenic (PMID: 15643609, 16720839, 17924555, 29098742; Invitae). This suggests that this residue is clinically significant, and that variants that disrupt this residue are likely to be disease-causing. Algorithms developed to predict the effect of sequence changes on RNA splicing suggest that this variant may disrupt the consensus splice site. Advanced modeling of protein sequence and biophysical properties (such as structural, functional, and spatial information, amino acid conservation, physicochemical variation, residue mobility, and thermodynamic stability) performed at Invitae indicates that this missense variant is expected to disrupt FANCA protein function. This variant has not been reported in the literature in individuals affected with FANCA-related conditions. This variant is not present in population databases (gnomAD no frequency). This sequence change replaces glutamine, which is neutral and polar, with glutamic acid, which is acidic and polar, at codon 869 of the FANCA protein (p.Gln869Glu).

Literature cited by the submitters: PubMed 15643609; PubMed 16720839; PubMed 17924555; PubMed 29098742.